The following is an entry in ClinVar:

ClinVar aggregate classification (germline): Uncertain significance. Review status: criteria provided, multiple submitters, no conflicts (2 of 4 stars). 3 submissions from 3 submitters: Uncertain significance (3). Last evaluated 2025-06-05.

Conditions:
Hereditary cancer-predisposing syndrome. Also called: Neoplastic Syndromes, Hereditary; Hereditary Cancer Syndrome; Tumor predisposition; Hereditary neoplastic syndrome. Identifiers: Orphanet 140162, MedGen C0027672, MeSH D009386, MONDO:0015356.
Neurofibromatosis, type 2 (SWNV). Also called: BILATERAL ACOUSTIC NEUROFIBROMATOSIS; NF2-Related Schwannomatosis; SCHWANNOMATOSIS, VESTIBULAR. Identifiers: Orphanet 637, MedGen C0027832, MONDO:0007039, OMIM 101000. Disease mechanism: loss of function.

Allele frequency attached by ClinVar (database versions not stated): gnomAD exomes below 0.00001.
gnomAD v4.1: 2 of 1,613,228 alleles (0.00012%); highest among the groups gnomAD compares: Non-Finnish European, 0.000085%; no homozygotes.

Submissions (3):

GeneDx
Classification: Uncertain significance. Last evaluated: 2025-06-05. Review status: criteria provided, single submitter. Criteria: GeneDx Variant Classification Process June 2021. Collection method: clinical testing. Allele origin: germline. Affected: yes.
Comment: Not observed at significant frequency in large population cohorts (gnomAD); In silico analysis suggests that this missense variant does not alter protein structure/function; Has not been previously published as pathogenic or benign to our knowledge; This variant is associated with the following publications: (PMID: 11756419, 16324214, 35332608)

Ambry Genetics
Classification: Uncertain significance for Hereditary cancer-predisposing syndrome. Last evaluated: 2024-11-11. Review status: criteria provided, single submitter. Criteria: Ambry Variant Classification Scheme 2023. Collection method: clinical testing. Allele origin: germline.
Comment: The p.K124Q variant (also known as c.370A>C), located in coding exon 4 of the NF2 gene, results from an A to C substitution at nucleotide position 370. The lysine at codon 124 is replaced by glutamine, an amino acid with similar properties. This amino acid position is conserved. In addition, this alteration is predicted to be tolerated by in silico analysis. Since supporting evidence is limited at this time, the clinical significance of this alteration remains unclear.

Labcorp Genetics (formerly Invitae), Labcorp
Classification: Uncertain significance for Neurofibromatosis, type 2. Last evaluated: 2024-07-30. Review status: criteria provided, single submitter. Criteria: Invitae Variant Classification Sherloc (09022015). Collection method: clinical testing. Allele origin: germline.
Comment: This sequence change replaces lysine, which is basic and polar, with glutamine, which is neutral and polar, at codon 124 of the NF2 protein (p.Lys124Gln). This variant is not present in population databases (gnomAD no frequency). This variant has not been reported in the literature in individuals affected with NF2-related conditions. ClinVar contains an entry for this variant (Variation ID: 642871). Advanced modeling of protein sequence and biophysical properties (such as structural, functional, and spatial information, amino acid conservation, physicochemical variation, residue mobility, and thermodynamic stability) performed at Invitae indicates that this missense variant is not expected to disrupt NF2 protein function with a negative predictive value of 80%. In summary, the available evidence is currently insufficient to determine the role of this variant in disease. Therefore, it has been classified as a Variant of Uncertain Significance.

NM_000268.4(NF2):c.370A>C (p.Lys124Gln)

Gene: NF2 (NF2, moesin-ezrin-radixin like (MERLIN) tumor suppressor; plus strand). Cytogenetic location: 22q12.2.
Variant type: single nucleotide variant.
Coding change: c.370A>C on transcript NM_000268.4 (MANE Select); coding-DNA position 370, A replaced by C.
Protein change: p.Lys124Gln; replaces lysine 124 with glutamine.
Molecular consequence: missense variant. On other transcripts: non-coding transcript variant (1).
Genome position (GRCh38, 1-based): chr22:29,642,208, A>C. VCF-style: chr22-29642208-A-C. GRCh37 (hg19) VCF-style: chr22-30038197-A-C.
Other names: c.121A>C, p.Lys41Gln (NM_181831.3, NM_181830.3); c.370A>C, p.Lys124Gln (NM_181832.3, NM_181833.3, NM_016418.5 and 1 more transcripts); c.244A>C, p.Lys82Gln (NM_181828.3); c.247A>C, p.Lys83Gln (NM_181829.3); short protein forms K124Q, K41Q, K82Q, K83Q.
Identifiers: ClinVar variation 642871 (VCV000642871.14), dbSNP rs1601589425, ClinGen allele CA411153724.